The following is an entry in ClinVar:

ClinVar aggregate classification (germline): Uncertain significance (1 of 4 stars; one submission).

Conditions:
Cardiovascular phenotype. Identifiers: MedGen CN230736.
Hereditary cancer-predisposing syndrome. Also called: Tumor predisposition; Neoplastic Syndromes, Hereditary; Hereditary neoplastic syndrome; Hereditary Cancer Syndrome. Identifiers: Orphanet 140162, MedGen C0027672, MeSH D009386, MONDO:0015356.

Submission:

Ambry Genetics
Classification: Uncertain significance for Cardiovascular phenotype; Hereditary cancer-predisposing syndrome. Last evaluated: 2025-08-22. Review status: criteria provided, single submitter. Criteria: Ambry Variant Classification Scheme 2023. Collection method: clinical testing. Allele origin: germline.
Comment: The p.E438G variant (also known as c.1313A>G), located in coding exon 12 of the LZTR1 gene, results from an A to G substitution at nucleotide position 1313. The glutamic acid at codon 438 is replaced by glycine, an amino acid with similar properties. This amino acid position is conserved. In addition, the in silico prediction for this alteration is inconclusive. Based on the available evidence, the clinical significance of this variant remains unclear.

NM_006767.4(LZTR1):c.1313A>G (p.Glu438Gly)

Gene: LZTR1 (leucine zipper like post translational regulator 1; plus strand). Cytogenetic location: 22q11.21.
Variant type: single nucleotide variant.
Coding change: c.1313A>G on transcript NM_006767.4 (MANE Select); coding-DNA position 1313, A replaced by G.
Protein change: p.Glu438Gly; replaces glutamic acid 438 with glycine.
Molecular consequence: missense variant.
Genome position (GRCh38, 1-based): chr22:20,993,714, A>G. VCF-style: chr22-20993714-A-G. GRCh37 (hg19) VCF-style: chr22-21348003-A-G.
Other names: short protein forms E438G.
Identifiers: ClinVar variation 4101930 (VCV004101930.1).